The following is an entry in ClinVar:

ClinVar aggregate classification (germline): Uncertain significance. Review status: criteria provided, multiple submitters, no conflicts (2 of 4 stars). 2 submissions from 2 submitters: Uncertain significance (2). Last evaluated 2023-02-15.

Allele frequency attached by ClinVar (database versions not stated): gnomAD 0.00001; ExAC 0.00002; TOPMed 0.00003.
gnomAD v4.1: 60 of 1,610,586 alleles (0.0037%); highest among the groups gnomAD compares: Non-Finnish European, 0.0046%; no homozygotes.

Submissions (2):

Mayo Clinic Laboratories, Mayo Clinic
Classification: Uncertain significance. Last evaluated: 2023-02-15. Review status: criteria provided, single submitter. Criteria: ACMG Guidelines, 2015. Collection method: clinical testing. Allele origin: germline. Observed: 1 variant allele.
Comment: BP4

CeGaT Center for Human Genetics Tuebingen
Classification: Uncertain significance. Last evaluated: 2022-10-01. Review status: criteria provided, single submitter. Criteria: CeGaT Center For Human Genetics Tuebingen Variant Classification Criteria Version 2. Collection method: clinical testing. Allele origin: germline. Affected: yes. Observed: 1 variant allele.
Comment: ZNF423: PM2:Supporting

NM_001379286.1(ZNF423):c.1022C>A (p.Ser341Tyr)

Gene: ZNF423 (zinc finger protein 423; minus strand). Cytogenetic location: 16q12.1.
Variant type: single nucleotide variant.
Coding change: c.1022C>A on transcript NM_001379286.1 (MANE Select); coding-DNA position 1022, C replaced by A.
Protein change: p.Ser341Tyr; replaces serine 341 with tyrosine.
Molecular consequence: missense variant.
Genome position (GRCh38, 1-based): chr16:49,638,154, G>T on the plus strand (C>A on the coding strand, the complement: ZNF423 is on the minus strand). VCF-style: chr16-49638154-G-T. GRCh37 (hg19) VCF-style: chr16-49672065-G-T.
Other names: p.Ser333Tyr; c.998C>A (NM_015069.4); c.818C>A, p.Ser273Tyr (NM_001271620.2); c.647C>A, p.Ser216Tyr (NM_001330533.2); c.998C>A, p.Ser333Tyr (NM_015069.5); short protein forms S216Y, S273Y, S333Y, S341Y.
Identifiers: ClinVar variation 2646503 (VCV002646503.25), dbSNP rs755632324, ClinGen allele CA8046770.